The following is an entry in ClinVar:

ClinVar aggregate classification (germline): Uncertain significance (1 of 4 stars; one submission).

Allele frequency attached by ClinVar (database versions not stated): gnomAD 0.00009 and 0.00013; TOPMed 0.00014; ExAC 0.00027; 1000 Genomes Project 0.00040; 1000 Genomes Project 30x 0.00047.
gnomAD v4.1: 322 of 1,608,698 alleles (0.02%); highest among the groups gnomAD compares: East Asian, 0.33%; 1 homozygote.

Submission:

Labcorp Genetics (formerly Invitae), Labcorp
Classification: Uncertain significance. Last evaluated: 2022-08-23. Review status: criteria provided, single submitter. Criteria: Invitae Variant Classification Sherloc (09022015). Collection method: clinical testing. Allele origin: germline.
Comment: This sequence change replaces methionine, which is neutral and non-polar, with lysine, which is basic and polar, at codon 4286 of the DNAH9 protein (p.Met4286Lys). This variant is present in population databases (rs182762599, gnomAD 0.1%). This variant has not been reported in the literature in individuals affected with DNAH9-related conditions. ClinVar contains an entry for this variant (Variation ID: 1396101). Algorithms developed to predict the effect of missense changes on protein structure and function are either unavailable or do not agree on the potential impact of this missense change (SIFT: "Deleterious"; PolyPhen-2: "Probably Damaging"; Align-GVGD: "Class C0"). In summary, the available evidence is currently insufficient to determine the role of this variant in disease. Therefore, it has been classified as a Variant of Uncertain Significance.

NM_001372.4(DNAH9):c.12857T>A (p.Met4286Lys)

Gene: DNAH9 (dynein axonemal heavy chain 9; plus strand). Cytogenetic location: 17p12.
Variant type: single nucleotide variant.
Coding change: c.12857T>A on transcript NM_001372.4 (MANE Select); coding-DNA position 12857, T replaced by A.
Protein change: p.Met4286Lys; replaces methionine 4286 with lysine.
Molecular consequence: missense variant.
Genome position (GRCh38, 1-based): chr17:11,961,880, T>A. VCF-style: chr17-11961880-T-A. GRCh37 (hg19) VCF-style: chr17-11865197-T-A.
Other names: c.1793T>A, p.Met598Lys (NM_004662.2); short protein forms M4286K, M598K.
Identifiers: ClinVar variation 1396101 (VCV001396101.3), dbSNP rs182762599, ClinGen allele CA8398298.